The following is an entry in ClinVar:

NM_001145252.3(CFP):c.1244+1G>A

Gene: CFP (complement factor properdin; minus strand). Cytogenetic location: Xp11.23.
Variant type: single nucleotide variant.
Coding change: c.1244+1G>A on transcript NM_001145252.3 (MANE Select); the canonical splice donor site of the intron after coding-DNA position 1244, G replaced by A.
Molecular consequence: splice donor variant.
Genome position (GRCh38, 1-based): chrX:47,626,057, C>T on the plus strand (G>A on the coding strand, the complement: CFP is on the minus strand). VCF-style: chrX-47626057-C-T. GRCh37 (hg19) VCF-style: chrX-47485456-C-T.
Other names: c.1244+1G>A (NM_002621.2).
Identifiers: ClinVar variation 2097338 (VCV002097338.4), dbSNP rs1178102878, ClinGen allele CA412834676.

ClinVar aggregate classification (germline): Uncertain significance (1 of 4 stars; one submission).

Submission:

Labcorp Genetics (formerly Invitae), Labcorp
Classification: Uncertain significance. Last evaluated: 2022-02-12. Review status: criteria provided, single submitter. Criteria: Invitae Variant Classification Sherloc (09022015). Collection method: clinical testing. Allele origin: germline.
Comment: This sequence change affects a donor splice site in intron 9 of the CFP gene. While this variant is not anticipated to result in nonsense mediated decay, it likely alters RNA splicing and results in a disrupted protein product. This variant is not present in population databases (gnomAD no frequency). This variant has not been reported in the literature in individuals affected with CFP-related conditions. Variants that disrupt the consensus splice site are a relatively common cause of aberrant splicing (PMID: 17576681, 9536098). Algorithms developed to predict the effect of sequence changes on RNA splicing suggest that this variant may disrupt the consensus splice site. In summary, the available evidence is currently insufficient to determine the role of this variant in disease. Therefore, it has been classified as a Variant of Uncertain Significance.

Literature cited by the submitters: PubMed 17576681; PubMed 9536098.